The following is an entry in ClinVar:

NM_001330195.2(NRXN3):c.3263-186790C>T

Gene: NRXN3 (neurexin 3; plus strand). Cytogenetic location: 14q31.1.
Variant type: single nucleotide variant.
Coding change: c.3263-186790C>T on transcript NM_001330195.2 (MANE Select); 186790 bases into the intron before coding-DNA position 3263, C replaced by T.
Molecular consequence: intron variant. On other transcripts: missense variant (3), non-coding transcript variant (1).
Genome position (GRCh38, 1-based): chr14:79,280,431, C>T. VCF-style: chr14-79280431-C-T. GRCh37 (hg19) VCF-style: chr14-79746774-C-T.
Other names: c.140C>T, p.Ser47Phe (NM_001105250.3, NM_001272020.2, NM_138970.5); c.3275-186790C>T (NM_001366426.1); c.3263-186790C>T (NM_001366425.1); c.2144-186790C>T (NM_004796.6); short protein forms S47F.
Identifiers: ClinVar variation 4991401 (VCV004991401.1).

ClinVar aggregate classification (germline): Uncertain significance (1 of 4 stars; one submission).

Conditions:
NRXN3-related disorder. Also called: NRXN3-related condition.

Submission:

PreventionGenetics, part of Exact Sciences
Classification: Uncertain significance for NRXN3-related condition. Last evaluated: 2026-05-22. Review status: criteria provided, single submitter. Criteria: ACMG Guidelines, 2015. Collection method: clinical testing. Allele origin: germline.
Comment: The NRXN3 c.140C>T variant is predicted to result in the amino acid substitution p.Ser47Phe. To our knowledge, this variant has not been reported in the literature or in a large population database (gnomAD), indicating this variant is rare. At this time, the clinical significance of this variant is uncertain due to the absence of conclusive functional and genetic evidence.